The following is an entry in ClinVar:

NM_003664.5(AP3B1):c.2611C>G (p.His871Asp)

Gene: AP3B1 (adaptor related protein complex 3 subunit beta 1; minus strand). Cytogenetic location: 5q14.1.
Variant type: single nucleotide variant.
Coding change: c.2611C>G on transcript NM_003664.5 (MANE Select); coding-DNA position 2611, C replaced by G.
Protein change: p.His871Asp; replaces histidine 871 with aspartic acid.
Molecular consequence: missense variant.
Genome position (GRCh38, 1-based): chr5:78,039,241, G>C on the plus strand (C>G on the coding strand, the complement: AP3B1 is on the minus strand). VCF-style: chr5-78039241-G-C. GRCh37 (hg19) VCF-style: chr5-77335065-G-C.
Other names: c.2464C>G, p.His822Asp (NM_001271769.2); short protein forms H871D, H822D.
Identifiers: ClinVar variation 3127506 (VCV003127506.3), dbSNP rs762861855, ClinGen allele CA3316711.

ClinVar aggregate classification (germline): Uncertain significance. Review status: criteria provided, multiple submitters, no conflicts (2 of 4 stars). 3 submissions from 3 submitters: Uncertain significance (3). Last evaluated 2025-01-29.

Conditions:
Inborn genetic diseases. Identifiers: MedGen C0950123, MeSH D030342.

Allele frequency attached by ClinVar (database versions not stated): gnomAD 0.00001; TOPMed 0.00001; ExAC 0.00002; gnomAD exomes 0.00004.
gnomAD v4.1: 55 of 1,614,020 alleles (0.0034%); highest among the groups gnomAD compares: Non-Finnish European, 0.0047%; no homozygotes.

Submissions (3):

GeneDx
Classification: Uncertain significance. Last evaluated: 2025-01-29. Review status: criteria provided, single submitter. Criteria: GeneDx Variant Classification Process June 2021. Collection method: clinical testing. Allele origin: germline. Affected: yes.
Comment: Not observed at significant frequency in large population cohorts (gnomAD); In silico analysis supports that this missense variant has a deleterious effect on protein structure/function; Has not been previously published as pathogenic or benign to our knowledge

Ambry Genetics
Classification: Uncertain significance for Inborn genetic diseases. Last evaluated: 2024-03-01. Review status: criteria provided, single submitter. Criteria: Ambry Variant Classification Scheme 2023. Collection method: clinical testing. Allele origin: germline.

Blueprint Genetics
Classification: Uncertain significance. Last evaluated: 2023-03-02. Review status: criteria provided, single submitter. Criteria: ACMG Guidelines, 2015. Collection method: clinical testing. Allele origin: germline.